The following is an entry in ClinVar:

NM_000784.4(CYP27A1):c.633C>G (p.Tyr211Ter)

Gene: CYP27A1 (cytochrome P450 family 27 subfamily A member 1; plus strand). Cytogenetic location: 2q35.
Variant type: single nucleotide variant.
Coding change: c.633C>G on transcript NM_000784.4 (MANE Select); coding-DNA position 633, C replaced by G.
Protein change: p.Tyr211Ter; replaces tyrosine 211 with a stop codon.
Molecular consequence: nonsense.
Genome position (GRCh38, 1-based): chr2:218,812,408, C>G. VCF-style: chr2-218812408-C-G. GRCh37 (hg19) VCF-style: chr2-219677131-C-G.
Other names: short protein forms Y211*.
Identifiers: ClinVar variation 5015073 (VCV005015073.1).

ClinVar aggregate classification (germline): Pathogenic (1 of 4 stars; one submission).

Conditions:
Cholestanol storage disease (CTX). Also called: CEREBRAL CHOLESTERINOSIS; Cerebrotendinous Xanthomatosis; CTX: Cerebrotendinous xanthomatosis. Identifiers: Orphanet 909, MedGen C0238052, MONDO:0008948, OMIM 213700.

Submission:

Myriad Genetics, Inc.
Classification: Pathogenic for Cholestanol storage disease. Last evaluated: 2025-10-09. Review status: criteria provided, single submitter. Criteria: Myriad Autosomal Dominant, Autosomal Recessive and X-Linked Classification Criteria (2023). Collection method: clinical testing. Allele origin: unknown.
Comment: NM_000784.3(CYP27A1):c.633C>G(Y211*) is expected to be pathogenic in the context of cerebrotendinous xanthomatosis. This variant is predicted to lead to an abnormal or absent protein product due to the creation of a premature termination codon in CYP27A1, a gene where loss-of-function variants are known to be pathogenic. Please note: this variant was assessed in the context of healthy population screening.